The following continues an entry in ClinVar:

NM_000256.3(MYBPC3):c.223G>A (p.Asp75Asn)

Gene: MYBPC3. ClinVar aggregate classification (germline): Uncertain significance. Uncertain significance (9).

Submissions 9 to 12 of 12:

Center for Human Genetics, University of Leuven
Classification: Uncertain significance for Hypertrophic cardiomyopathy. Last evaluated: 2017-02-09. Review status: criteria provided, single submitter. Criteria: ACMG Guidelines, 2015. Collection method: clinical testing. Allele origin: germline. Inheritance: Autosomal dominant inheritance. Affected: yes. Observed: 1 variant allele, 1 homozygote.
Comment: ACMG score unknown significance

PreventionGenetics, part of Exact Sciences
Classification: Uncertain significance for MYBPC3-related condition. Last evaluated: 2023-10-20. Review status: no assertion criteria provided. Collection method: clinical testing. Allele origin: germline. Not counted in ClinVar's aggregate classification.
Comment: The MYBPC3 c.223G>A variant is predicted to result in the amino acid substitution p.Asp75Asn. This variant was reported in multiple individuals with hypertrophic cardiomyopathy (HCM) (Rodríguez-García et al. 2010. PubMed ID: 20433692; Supplemental Table in Lakdawala et al. 2011. PubMed ID: 21943931; Supplemental Table 2 in Mademont-Soler et al. 2017. PubMed ID: 28771489; Sousa et al. 2018. PubMed ID: 30871747; Supplemental Table 2 in Robyns et al. 2020. PubMed ID: 31513939). In one study, analysis of the proband's family, was not fully supportive for segregation (Rodríguez-García et al. 2010. PubMed ID: 20433692). This variant is reported in 0.0040% of alleles in individuals of European (Non-Finnish) descent in gnomAD. In ClinVar, this variant has been interpreted as uncertain by the majority of submitting laboratories. Although we suspect that this variant may be pathogenic, at this time, the clinical significance of this variant is uncertain due to the absence of conclusive functional and genetic evidence.

CSER _CC_NCGL, University of Washington
Classification: Uncertain significance for Cardiomyopathy, hypertrophic. Last evaluated: 2014-06-01. Review status: no assertion criteria provided. Collection method: research. Allele origin: germline. Inheritance: Autosomal dominant inheritance. Study: ESP 6500 variant annotation. Not counted in ClinVar's aggregate classification.
Comment: Variants classified for the Actionable exomic incidental findings in 6503 participants: challenges of variant classification manuscript

Laboratory of Genetics and Molecular Cardiology, University of São Paulo
Classification: Likely pathogenic for Hypertrophic cardiomyopathy 4. Review status: flagged submission. Criteria: LGCM Criteria August 2015. Collection method: clinical testing. Allele origin: germline. Inheritance: Autosomal dominant inheritance. Affected: yes. Observed: 1 variant allele. Study: Sarcomeric Human Cardiomyopathy Registry (ShaRe). Not counted in ClinVar's aggregate classification.
ClinVar note: Reason: Outlier claim with insufficient supporting evidence

Literature cited by the submitters: PubMed 39769170 (cited by Dasa and Ambry Genetics); PubMed 39456977 (cited by Dasa and Ambry Genetics); PubMed 37431535 (cited by Dasa); PubMed 37652022 (cited by Dasa); PubMed 20433692 (cited by 5 submitters); PubMed 21488259 (cited by Labcorp Genetics (formerly Invitae), Labcorp and Ambry Genetics); PubMed 21943931 (cited by 3 submitters); PubMed 27600940 (cited by 5 submitters); PubMed 28771489 (cited by 3 submitters); PubMed 30871747 (cited by 5 submitters); PubMed 31513939 (cited by 4 submitters); PubMed 23299917 (cited by Ambry Genetics and Laboratory for Molecular Medicine, Mass General Brigham Personalized Medicine); PubMed 25351510 (cited by Ambry Genetics); PubMed 25611685 (cited by Ambry Genetics); PubMed 27532257 (cited by Ambry Genetics and Laboratory for Molecular Medicine, Mass General Brigham Personalized Medicine); PubMed 32841044 (cited by Ambry Genetics and Color Diagnostics, LLC DBA Color Health); PubMed 33495596 (cited by Color Diagnostics, LLC DBA Color Health); PubMed 33495597 (cited by Color Diagnostics, LLC DBA Color Health); PubMed 33782553 (cited by Color Diagnostics, LLC DBA Color Health); PubMed 25637381 (cited by Laboratory for Molecular Medicine, Mass General Brigham Personalized Medicine); PubMed 28679633 (cited by Laboratory for Molecular Medicine, Mass General Brigham Personalized Medicine); PubMed 28518168 (cited by Laboratory for Molecular Medicine, Mass General Brigham Personalized Medicine).